The following is an entry in ClinVar:

NM_001085411.3(NADK2):c.620A>G (p.Gln207Arg)

Gene: NADK2 (NAD kinase 2, mitochondrial; minus strand). Cytogenetic location: 5p13.2.
Variant type: single nucleotide variant.
Coding change: c.620A>G on transcript NM_001085411.3 (MANE Select); coding-DNA position 620, A replaced by G.
Protein change: p.Gln207Arg; replaces glutamine 207 with arginine.
Molecular consequence: missense variant.
Genome position (GRCh38, 1-based): chr5:36,219,620, T>C on the plus strand (A>G on the coding strand, the complement: NADK2 is on the minus strand). VCF-style: chr5-36219620-T-C. GRCh37 (hg19) VCF-style: chr5-36219722-T-C.
Other names: c.131A>G, p.Gln44Arg (NM_001287340.2, NM_001287341.2, NM_153013.5); short protein forms Q207R, Q44R.
Identifiers: ClinVar variation 1433222 (VCV001433222.6), dbSNP rs368962236, ClinGen allele CA3234671.

ClinVar aggregate classification (germline): Uncertain significance (1 of 4 stars; one submission).

Conditions:
Progressive encephalopathy with leukodystrophy due to DECR deficiency. Identifiers: Orphanet 431361, MedGen C1857252, MONDO:0014464, OMIM 616034.

Allele frequency attached by ClinVar (database versions not stated): gnomAD exomes below 0.00001 and 0.00001; ExAC 0.00001.
gnomAD v4.1: 6 of 1,614,074 alleles (0.00037%); highest among the groups gnomAD compares: East Asian, 0.0067%; no homozygotes.

Submission:

Labcorp Genetics (formerly Invitae), Labcorp
Classification: Uncertain significance for Progressive encephalopathy with leukodystrophy due to DECR deficiency. Last evaluated: 2025-04-24. Review status: criteria provided, single submitter. Criteria: Invitae Variant Classification Sherloc (09022015). Collection method: clinical testing. Allele origin: germline.
Comment: This sequence change replaces glutamine, which is neutral and polar, with arginine, which is basic and polar, at codon 207 of the NADK2 protein (p.Gln207Arg). This variant is present in population databases (rs368962236, gnomAD 0.01%). This variant has not been reported in the literature in individuals affected with NADK2-related conditions. ClinVar contains an entry for this variant (Variation ID: 1433222). Invitae Evidence Modeling of protein sequence and biophysical properties (such as structural, functional, and spatial information, amino acid conservation, physicochemical variation, residue mobility, and thermodynamic stability) indicates that this missense variant is not expected to disrupt NADK2 protein function with a negative predictive value of 80%. In summary, the available evidence is currently insufficient to determine the role of this variant in disease. Therefore, it has been classified as a Variant of Uncertain Significance.